The following is an entry in ClinVar:

ClinVar aggregate classification (germline): Likely pathogenic (1 of 4 stars; one submission).

Conditions:
Citrullinemia. Identifiers: Orphanet 187, MedGen C0175683, MONDO:0015991.

gnomAD v4.1: 2 of 1,613,918 alleles (0.00012%); highest among the groups gnomAD compares: Admixed American, 0.0033%; no homozygotes.

Submission:

Labcorp Genetics (formerly Invitae), Labcorp
Classification: Likely pathogenic for Citrullinemia. Last evaluated: 2024-10-07. Review status: criteria provided, single submitter. Criteria: Invitae Variant Classification Sherloc (09022015). Collection method: clinical testing. Allele origin: germline.
Comment: This sequence change replaces isoleucine, which is neutral and non-polar, with threonine, which is neutral and polar, at codon 297 of the ASS1 protein (p.Ile297Thr). This variant is present in population databases (no rsID available, gnomAD 0.003%). This missense change has been observed in individual(s) with autosomal recessive citrullinemia type I (internal data). In at least one individual the data is consistent with being in trans (on the opposite chromosome) from a pathogenic variant. Invitae Evidence Modeling of protein sequence and biophysical properties (such as structural, functional, and spatial information, amino acid conservation, physicochemical variation, residue mobility, and thermodynamic stability) indicates that this missense variant is expected to disrupt ASS1 protein function with a positive predictive value of 80%. In summary, the currently available evidence indicates that the variant is pathogenic, but additional data are needed to prove that conclusively. Therefore, this variant has been classified as Likely Pathogenic.

NM_054012.4(ASS1):c.890T>C (p.Ile297Thr)

Gene: ASS1 (argininosuccinate synthase 1; plus strand). Cytogenetic location: 9q34.11.
Variant type: single nucleotide variant.
Coding change: c.890T>C on transcript NM_054012.4 (MANE Select); coding-DNA position 890, T replaced by C.
Protein change: p.Ile297Thr; replaces isoleucine 297 with threonine.
Molecular consequence: missense variant.
Genome position (GRCh38, 1-based): chr9:130,489,384, T>C. VCF-style: chr9-130489384-T-C. GRCh37 (hg19) VCF-style: chr9-133364771-T-C.
Other names: c.890T>C, p.Ile297Thr (NM_000050.4); short protein forms I297T.
Identifiers: ClinVar variation 3709168 (VCV003709168.2).
Genomic context (GRCh38, chr9:130,489,384, plus strand): 5'-AATGGCTAGGTATCTACGAGACCCCAGCAGGCACCATCCTTTACCATGCTCATTTAGACA[T>C]CGAGGCCTTCACCATGGACCGGGAAGTGCGCAAAATCAAACAAGGCCTGGGCTTGAAATT-3'
Protein context (NP_446464.1, residues 287-307): GTILYHAHLD[Ile297Thr]EAFTMDREVR